The following is an entry in ClinVar:

NM_014014.5(SNRNP200):c.1951C>T (p.Leu651Phe)

Gene: SNRNP200 (small nuclear ribonucleoprotein U5 subunit 200; minus strand). Cytogenetic location: 2q11.2.
Variant type: single nucleotide variant.
Coding change: c.1951C>T on transcript NM_014014.5 (MANE Select); coding-DNA position 1951, C replaced by T.
Protein change: p.Leu651Phe; replaces leucine 651 with phenylalanine.
Molecular consequence: missense variant.
Genome position (GRCh38, 1-based): chr2:96,293,401, G>A on the plus strand (C>T on the coding strand, the complement: SNRNP200 is on the minus strand). VCF-style: chr2-96293401-G-A. GRCh37 (hg19) VCF-style: chr2-96959139-G-A.
Other names: short protein forms L651F.
Identifiers: ClinVar variation 1511786 (VCV001511786.10), dbSNP rs2104352435, ClinGen allele CA347680164.
Genomic context (GRCh38, chr2:96,293,401, plus strand): 5'-TGGCAGGGTCAACACGTAGAAAGGTGGCTACATCTTCATAGTTGGGTAGGGTGGCACTGA[G>A]ACCAATGAGTCGGACATCCTCTTGGGTCATCTCAATGTTTCGGATGGCCCTGGCCACTAA-3'
Protein context (NP_054733.2, residues 641-661): MTQEDVRLIG[Leu651Phe]SATLPNYEDV

ClinVar aggregate classification (germline): Uncertain significance. Review status: criteria provided, multiple submitters, no conflicts (2 of 4 stars). 3 submissions from 3 submitters: Uncertain significance (3). Last evaluated 2022-07-05.

Conditions:
Retinal dystrophy. Also called: Inherited retinal dystrophy. Identifiers: Orphanet 71862, MedGen C0854723, MeSH D058499, MONDO:0019118, HP:0000556.
Retinitis pigmentosa 33 (RP33). Identifiers: Orphanet 791, MedGen C1835895, MONDO:0012477, OMIM 610359.

Submissions (3):

Labcorp Genetics (formerly Invitae), Labcorp
Classification: Uncertain significance. Last evaluated: 2022-07-05. Review status: criteria provided, single submitter. Criteria: Invitae Variant Classification Sherloc (09022015). Collection method: clinical testing. Allele origin: germline.
Comment: This sequence change replaces leucine, which is neutral and non-polar, with phenylalanine, which is neutral and non-polar, at codon 651 of the SNRNP200 protein (p.Leu651Phe). This variant is not present in population databases (gnomAD no frequency). This variant has not been reported in the literature in individuals affected with SNRNP200-related conditions. ClinVar contains an entry for this variant (Variation ID: 1511786). Algorithms developed to predict the effect of missense changes on protein structure and function are either unavailable or do not agree on the potential impact of this missense change (SIFT: "Deleterious"; PolyPhen-2: "Probably Damaging"; Align-GVGD: "Class C0"). In summary, the available evidence is currently insufficient to determine the role of this variant in disease. Therefore, it has been classified as a Variant of Uncertain Significance.

Fulgent Genetics
Classification: Uncertain significance for Retinitis pigmentosa 33. Last evaluated: 2021-10-24. Review status: criteria provided, single submitter. Criteria: ACMG Guidelines, 2015. Collection method: clinical testing. Allele origin: unknown.

Institute of Human Genetics, Univ. Regensburg, Univ. Regensburg
Classification: Uncertain significance for Retinal dystrophy. Last evaluated: 2019-01-01. Review status: criteria provided, single submitter. Criteria: ACMG Guidelines, 2015. Collection method: clinical testing. Allele origin: germline. Affected: yes.

Literature cited by the submitters: PubMed 33598457 (cited by Institute of Human Genetics, Univ. Regensburg, Univ. Regensburg).